The following is an entry in ClinVar:

ClinVar aggregate classification (germline): Uncertain significance. Review status: criteria provided, multiple submitters, no conflicts (2 of 4 stars). 2 submissions from 2 submitters: Uncertain significance (2). Last evaluated 2022-06-05.

Conditions:
Inborn genetic diseases. Identifiers: MedGen C0950123, MeSH D030342.

gnomAD v4.1: 22 of 1,555,112 alleles (0.0014%); highest among the groups gnomAD compares: Admixed American, 0.042%; no homozygotes.

Submissions (2):

Labcorp Genetics (formerly Invitae), Labcorp
Classification: Uncertain significance. Last evaluated: 2022-06-05. Review status: criteria provided, single submitter. Criteria: Invitae Variant Classification Sherloc (09022015). Collection method: clinical testing. Allele origin: germline.
Comment: This sequence change replaces glutamine, which is neutral and polar, with histidine, which is basic and polar, at codon 310 of the LHX3 protein (p.Gln310His). This variant is present in population databases (rs548140963, gnomAD 0.06%). This variant has not been reported in the literature in individuals affected with LHX3-related conditions. ClinVar contains an entry for this variant (Variation ID: 1450607). Algorithms developed to predict the effect of missense changes on protein structure and function are either unavailable or do not agree on the potential impact of this missense change (SIFT: "Not Available"; PolyPhen-2: "Benign"; Align-GVGD: "Not Available"). In summary, the available evidence is currently insufficient to determine the role of this variant in disease. Therefore, it has been classified as a Variant of Uncertain Significance.

Ambry Genetics
Classification: Uncertain significance for Inborn genetic diseases. Last evaluated: 2021-01-12. Review status: criteria provided, single submitter. Criteria: Ambry Variant Classification Scheme 2023. Collection method: clinical testing. Allele origin: germline.
Comment: The c.930G>C (p.Q310H) alteration is located in exon 6 (coding exon 6) of the LHX3 gene. This alteration results from a G to C substitution at nucleotide position 930, causing the glutamine (Q) at amino acid position 310 to be replaced by a histidine (H). The p.Q310H alteration is predicted to be tolerated by in silico analysis. Based on insufficient or conflicting evidence, the clinical significance of this alteration remains unclear.

NM_178138.6(LHX3):c.915G>C (p.Gln305His)

Gene: LHX3 (LIM homeobox 3; minus strand). Cytogenetic location: 9q34.3.
Variant type: single nucleotide variant.
Coding change: c.915G>C on transcript NM_178138.6 (MANE Select); coding-DNA position 915, G replaced by C.
Protein change: p.Gln305His; replaces glutamine 305 with histidine.
Molecular consequence: missense variant.
Genome position (GRCh38, 1-based): chr9:136,197,604, C>G on the plus strand (G>C on the coding strand, the complement: LHX3 is on the minus strand). VCF-style: chr9-136197604-C-G. GRCh37 (hg19) VCF-style: chr9-139089450-C-G.
Other names: c.882G>C, p.Gln294His (NM_001363746.1); c.930G>C, p.Gln310His (NM_014564.5); c.930G>C (NM_014564.3); short protein forms Q305H, Q310H, Q294H.
Identifiers: ClinVar variation 1450607 (VCV001450607.4), dbSNP rs548140963, ClinGen allele CA5330296.